The following is an entry in ClinVar:

NM_000059.4(BRCA2):c.5227A>T (p.Ser1743Cys)

Gene: BRCA2 (BRCA2 DNA repair associated; plus strand). Cytogenetic location: 13q13.1.
Variant type: single nucleotide variant.
Coding change: c.5227A>T on transcript NM_000059.4 (MANE Select); coding-DNA position 5227, A replaced by T.
Protein change: p.Ser1743Cys; replaces serine 1743 with cysteine.
Molecular consequence: missense variant.
Genome position (GRCh38, 1-based): chr13:32,339,582, A>T. VCF-style: chr13-32339582-A-T. GRCh37 (hg19) VCF-style: chr13-32913719-A-T.
Other names: S1743C; 5455A>T.
Identifiers: ClinVar variation 37952 (VCV000037952.13), dbSNP rs397507348, ClinGen allele CA021787.
Genomic context (GRCh38, chr13:32,339,582, plus strand): 5'-ACTATAGCTGAAAATGACAAAAATCATCTCTCCGAAAAACAAGATACTTATTTAAGTAAC[A>T]GTAGCATGTCTAACAGCTATTCCTACCATTCTGATGAGGTATATAATGATTCAGGATATC-3'
Protein context (NP_000050.3, residues 1733-1753): SEKQDTYLSN[Ser1743Cys]SMSNSYSYHS

ClinVar aggregate classification (germline): Conflicting classifications of pathogenicity. Review status: criteria provided, conflicting classifications (1 of 4 stars). 3 submissions from 3 submitters: Uncertain significance (1); Likely benign (1). 1 of the submissions does not count toward it. Last evaluated 2023-08-04.

Conditions:
Hereditary cancer-predisposing syndrome. Also called: Tumor predisposition; Neoplastic Syndromes, Hereditary; Hereditary neoplastic syndrome; Hereditary Cancer Syndrome. Identifiers: Orphanet 140162, MedGen C0027672, MeSH D009386, MONDO:0015356.
Hereditary breast ovarian cancer syndrome. Also called: Hereditary breast and ovarian cancer; Hereditary breast and ovarian cancer syndrome (HBOC); Hereditary breast and/or ovarian cancer syndrome; Breast and ovarian cancer; Hereditary breast and ovarian cancer syndrome; BRCA1- and BRCA2-Associated Hereditary Breast and Ovarian Cancer. Identifiers: Orphanet 145, MedGen C0677776, MeSH D061325, MONDO:0003582. Disease mechanism: loss of function.
Breast-ovarian cancer, familial, susceptibility to, 2 (BROVCA2). Also called: BRCA2 Hereditary Breast and Ovarian Cancer. Identifiers: Orphanet 145, MedGen C2675520, MONDO:0012933, OMIM 612555. Disease mechanism: loss of function.

Submissions (3):

Labcorp Genetics (formerly Invitae), Labcorp
Classification: Uncertain significance for Hereditary breast ovarian cancer syndrome. Last evaluated: 2023-08-04. Review status: criteria provided, single submitter. Criteria: Invitae Variant Classification Sherloc (09022015). Collection method: clinical testing. Allele origin: germline.
Comment: This sequence change replaces serine, which is neutral and polar, with cysteine, which is neutral and slightly polar, at codon 1743 of the BRCA2 protein (p.Ser1743Cys). This variant is not present in population databases (gnomAD no frequency). This variant has not been reported in the literature in individuals affected with BRCA2-related conditions. ClinVar contains an entry for this variant (Variation ID: 37952). Advanced modeling of protein sequence and biophysical properties (such as structural, functional, and spatial information, amino acid conservation, physicochemical variation, residue mobility, and thermodynamic stability) performed at Invitae indicates that this missense variant is not expected to disrupt BRCA2 protein function. In summary, the available evidence is currently insufficient to determine the role of this variant in disease. Therefore, it has been classified as a Variant of Uncertain Significance.

University of Washington Department of Laboratory Medicine, University of Washington
Classification: Likely benign for Hereditary cancer-predisposing syndrome. Last evaluated: 2023-03-23. Review status: criteria provided, single submitter. Criteria: Dines et al. (Genet Med. 2020). Collection method: curation. Allele origin: germline.
Comment: Missense variant in a coldspot region where missense variants are very unlikely to be pathogenic (PMID:31911673).

BRCA2 exon 11 coldspot. Reclassification based on statistical prior probability.

Sharing Clinical Reports Project (SCRP)
Classification: Uncertain significance for Breast-ovarian cancer, familial 2. Last evaluated: 2010-04-06. Review status: no assertion criteria provided. Collection method: clinical testing. Allele origin: germline. Not counted in ClinVar's aggregate classification.